The following is an entry in ClinVar:

NM_000256.3(MYBPC3):c.1586C>G (p.Thr529Ser)

Gene: MYBPC3 (myosin binding protein C3; minus strand). Cytogenetic location: 11p11.2.
Variant type: single nucleotide variant.
Coding change: c.1586C>G on transcript NM_000256.3 (MANE Select); coding-DNA position 1586, C replaced by G.
Protein change: p.Thr529Ser; replaces threonine 529 with serine.
Molecular consequence: missense variant.
Genome position (GRCh38, 1-based): chr11:47,342,616, G>C on the plus strand (C>G on the coding strand, the complement: MYBPC3 is on the minus strand). VCF-style: chr11-47342616-G-C. GRCh37 (hg19) VCF-style: chr11-47364167-G-C.
Other names: short protein forms T529S.
Identifiers: ClinVar variation 42548 (VCV000042548.6), dbSNP rs397515911, ClinGen allele CA010669.

ClinVar aggregate classification (germline): Uncertain significance. Review status: criteria provided, multiple submitters, no conflicts (2 of 4 stars). 3 submissions from 3 submitters: Uncertain significance (3). Last evaluated 2024-12-01.

Allele frequency attached by ClinVar (database versions not stated): gnomAD exomes below 0.00001.

Submissions (3):

GeneDx
Classification: Uncertain significance. Last evaluated: 2024-12-01. Review status: criteria provided, single submitter. Criteria: GeneDx Variant Classification Process June 2021. Collection method: clinical testing. Allele origin: germline. Affected: yes.
Comment: Reported in association with hypertrophic cardiomyopathy; however, detailed clinical information was not provided (PMID: 27532257); Not observed at significant frequency in large population cohorts (gnomAD); In silico analysis supports that this missense variant has a deleterious effect on protein structure/function; This variant is associated with the following publications: (PMID: 37652022, 27532257)

Clinical Genetics Laboratory, Skane University Hospital Lund
Classification: Uncertain significance. Last evaluated: 2022-05-27. Review status: criteria provided, single submitter. Criteria: ACMG Guidelines, 2015. Collection method: clinical testing. Allele origin: germline. Affected: yes.

Laboratory for Molecular Medicine, Mass General Brigham Personalized Medicine
Classification: Uncertain significance. Last evaluated: 2011-12-27. Review status: criteria provided, single submitter. Criteria: LMM Criteria. Collection method: clinical testing. Allele origin: germline. Observed: 1 variant allele.
Comment: Variant classified as Uncertain Significance - Favor Pathogenic. Threonine (Thr) at position 529 is highly conserved across several ev olutionary distant species, increasing the likelihood that the change is pathoge nic. In addition, computational tools (AlignGVGD, Polyphen2, SIFT) predict this change to be deleterious, though the accuracy of these tools is unknown. Additio nal data is needed to further classify the clinical significance of the Thr529Se r variant.